The following is an entry in ClinVar:

NM_000020.3(ACVRL1):c.191A>C (p.Gln64Pro)

Gene: ACVRL1 (activin A receptor like type 1; plus strand). Cytogenetic location: 12q13.13.
Variant type: single nucleotide variant.
Coding change: c.191A>C on transcript NM_000020.3 (MANE Select); coding-DNA position 191, A replaced by C.
Protein change: p.Gln64Pro; replaces glutamine 64 with proline.
Molecular consequence: missense variant.
Genome position (GRCh38, 1-based): chr12:51,913,228, A>C. VCF-style: chr12-51913228-A-C. GRCh37 (hg19) VCF-style: chr12-52307012-A-C.
Other names: c.191A>C, p.Gln64Pro (NM_001077401.2); short protein forms Q64P.
Identifiers: ClinVar variation 1782626 (VCV001782626.4), dbSNP rs943040923, ClinGen allele CA236361874.

ClinVar aggregate classification (germline): Uncertain significance. Review status: criteria provided, multiple submitters, no conflicts (2 of 4 stars). 2 submissions from 2 submitters: Uncertain significance (2). Last evaluated 2024-06-22.

Conditions:
Telangiectasia, hereditary hemorrhagic, type 2 (HHT2). Also called: ACVRL1-Related Hereditary Hemorrhagic Telangiectasia; Telangiectasia, hereditary hemorrhagic, type II. Identifiers: Orphanet 774, MedGen C1838163, MONDO:0010880, OMIM 600376. Disease mechanism: loss of function.
Cardiovascular phenotype. Identifiers: MedGen CN230736.

Allele frequency attached by ClinVar (database versions not stated): gnomAD exomes below 0.00001; gnomAD 0.00001; TOPMed 0.00001.
gnomAD v4.1: 6 of 1,590,178 alleles (0.00038%); highest among the groups gnomAD compares: Non-Finnish European, 0.00051%; no homozygotes.

Submissions (2):

Labcorp Genetics (formerly Invitae), Labcorp
Classification: Uncertain significance for Telangiectasia, hereditary hemorrhagic, type 2. Last evaluated: 2024-06-22. Review status: criteria provided, single submitter. Criteria: Invitae Variant Classification Sherloc (09022015). Collection method: clinical testing. Allele origin: germline.
Comment: This sequence change replaces glutamine, which is neutral and polar, with proline, which is neutral and non-polar, at codon 64 of the ACVRL1 protein (p.Gln64Pro). This variant is not present in population databases (gnomAD no frequency). This variant has not been reported in the literature in individuals affected with ACVRL1-related conditions. ClinVar contains an entry for this variant (Variation ID: 1782626). Advanced modeling of protein sequence and biophysical properties (such as structural, functional, and spatial information, amino acid conservation, physicochemical variation, residue mobility, and thermodynamic stability) has been performed at Invitae for this missense variant, however the output from this modeling did not meet the statistical confidence thresholds required to predict the impact of this variant on ACVRL1 protein function. In summary, the available evidence is currently insufficient to determine the role of this variant in disease. Therefore, it has been classified as a Variant of Uncertain Significance.

Ambry Genetics
Classification: Uncertain significance for Cardiovascular phenotype. Last evaluated: 2020-03-10. Review status: criteria provided, single submitter. Criteria: Ambry Variant Classification Scheme 2023. Collection method: clinical testing. Allele origin: germline.
Comment: The p.Q64P variant (also known as c.191A>C), located in coding exon 2 of the ACVRL1 gene, results from an A to C substitution at nucleotide position 191. The glutamine at codon 64 is replaced by proline, an amino acid with similar properties. This amino acid position is not well conserved in available vertebrate species. In addition, the in silico prediction for this alteration is inconclusive. Since supporting evidence is limited at this time, the clinical significance of this alteration remains unclear.